The following is an entry in ClinVar:

NM_002234.4(KCNA5):c.227G>T (p.Arg76Leu)

Gene: KCNA5 (potassium voltage-gated channel subfamily A member 5; plus strand). Cytogenetic location: 12p13.32.
Variant type: single nucleotide variant.
Coding change: c.227G>T on transcript NM_002234.4 (MANE Select); coding-DNA position 227, G replaced by T.
Protein change: p.Arg76Leu; replaces arginine 76 with leucine.
Molecular consequence: missense variant.
Genome position (GRCh38, 1-based): chr12:5,044,374, G>T. VCF-style: chr12-5044374-G-T. GRCh37 (hg19) VCF-style: chr12-5153540-G-T.
Other names: c.227G>T (NM_002234.2); short protein forms R76L.
Identifiers: ClinVar variation 1061754 (VCV001061754.11), dbSNP rs1389494243, ClinGen allele CA383462137.

ClinVar aggregate classification (germline): Uncertain significance. Review status: criteria provided, multiple submitters, no conflicts (2 of 4 stars). 3 submissions from 3 submitters: Uncertain significance (3). Last evaluated 2025-06-09.

Conditions:
Atrial fibrillation, familial, 7 (ATFB7). Identifiers: MedGen C2677106, MONDO:0012828, OMIM 612240.
Inborn genetic diseases. Identifiers: MedGen C0950123, MeSH D030342.

Allele frequency attached by ClinVar (database versions not stated): TOPMed below 0.00001; gnomAD 0.00001; gnomAD exomes 0.00001.
gnomAD v4.1: 12 of 1,562,286 alleles (0.00077%); highest among the groups gnomAD compares: Admixed American, 0.018%; no homozygotes.

Submissions (3):

Labcorp Genetics (formerly Invitae), Labcorp
Classification: Uncertain significance for Atrial fibrillation, familial, 7. Last evaluated: 2025-06-09. Review status: criteria provided, single submitter. Criteria: Invitae Variant Classification Sherloc (09022015). Collection method: clinical testing. Allele origin: germline.
Comment: This sequence change replaces arginine, which is basic and polar, with leucine, which is neutral and non-polar, at codon 76 of the KCNA5 protein (p.Arg76Leu). This variant is not present in population databases (gnomAD no frequency). This variant has not been reported in the literature in individuals affected with KCNA5-related conditions. ClinVar contains an entry for this variant (Variation ID: 1061754). An algorithm developed to predict the effect of missense changes on protein structure and function outputs the following: PolyPhen-2: "Benign". The leucine amino acid residue is found in multiple mammalian species, which suggests that this missense change does not adversely affect protein function. In summary, the available evidence is currently insufficient to determine the role of this variant in disease. Therefore, it has been classified as a Variant of Uncertain Significance.

Ambry Genetics
Classification: Uncertain significance for Inborn genetic diseases. Last evaluated: 2024-10-01. Review status: criteria provided, single submitter. Criteria: Ambry Variant Classification Scheme 2023. Collection method: clinical testing. Allele origin: germline.

Department of Pathology and Laboratory Medicine, Sinai Health System
Classification: Uncertain significance for Atrial fibrillation, familial, 7. Last evaluated: 2023-05-30. Review status: criteria provided, single submitter. Criteria: ACMG Guidelines, 2015. Collection method: research. Allele origin: germline.